The following is an entry in ClinVar:

ClinVar aggregate classification (germline): Uncertain significance (1 of 4 stars; one submission).

gnomAD v4.1: 4 of 1,610,556 alleles (0.00025%); highest among the groups gnomAD compares: Non-Finnish European, 0.00034%; no homozygotes.

Submission:

GeneDx
Classification: Uncertain significance. Last evaluated: 2025-04-30. Review status: criteria provided, single submitter. Criteria: GeneDx Variant Classification Process June 2021. Collection method: clinical testing. Allele origin: germline. Affected: yes.
Comment: Not observed at significant frequency in large population cohorts (gnomAD); In silico analysis indicates that this missense variant does not alter protein structure/function; Has not been previously published as pathogenic or benign to our knowledge

NM_032656.4(DHX37):c.2845G>A (p.Asp949Asn)

Gene: DHX37 (DEAH-box helicase 37; minus strand). Cytogenetic location: 12q24.31.
Variant type: single nucleotide variant.
Coding change: c.2845G>A on transcript NM_032656.4 (MANE Select); coding-DNA position 2845, G replaced by A.
Protein change: p.Asp949Asn; replaces aspartic acid 949 with asparagine.
Molecular consequence: missense variant.
Genome position (GRCh38, 1-based): chr12:124,952,421, C>T on the plus strand (G>A on the coding strand, the complement: DHX37 is on the minus strand). VCF-style: chr12-124952421-C-T. GRCh37 (hg19) VCF-style: chr12-125436967-C-T.
Other names: short protein forms D949N.
Identifiers: ClinVar variation 4527535 (VCV004527535.1).
Genomic context (GRCh38, chr12:124,952,421, plus strand): 5'-CCAAGCTACCCGGGCAGGGAGGCGGTGGGGGCCGCACCTTGTAGGCGTTCCTCCACTTGT[C>T]CTCCAGCATCTCCTCGCTCTGGACCCTGCGGGCCAAGTGGTCCCCCAGGCCTGCCGTCAC-3'
Protein context (NP_116045.2, residues 939-959): RRVQSEEMLE[Asp949Asn]KWRNAYKTPL